The following is an entry in ClinVar:

NM_000407.5(GP1BB):c.423C>A (p.Cys141Ter)

Genes: GP1BB (glycoprotein Ib platelet subunit beta; plus strand), SEPT5-GP1BB (SEPT5-GP1BB readthrough; plus strand). Cytogenetic location: 22q11.21.
Variant type: single nucleotide variant.
Coding change: c.423C>A on transcript NM_000407.5 (MANE Select); coding-DNA position 423, C replaced by A.
Protein change: p.Cys141Ter; replaces cysteine 141 with a stop codon.
Molecular consequence: nonsense. On other transcripts: non-coding transcript variant (2).
Genome position (GRCh38, 1-based): chr22:19,724,266, C>A. VCF-style: chr22-19724266-C-A. GRCh37 (hg19) VCF-style: chr22-19711789-C-A.
Other names: NM_000407.5(GP1BB):c.423C>A; p.Cys141Ter; short protein forms C141*.
Identifiers: ClinVar variation 1324499 (VCV001324499.6), dbSNP rs1402804629, ClinGen allele CA410677482.

ClinVar aggregate classification (germline): Pathogenic. Review status: reviewed by expert panel (3 of 4 stars). 4 submissions from 4 submitters: Pathogenic (1). 3 of the submissions do not count toward it. Last evaluated 2026-01-20.

Conditions:
Autosomal dominant macrothrombocytopenia. Identifiers: Orphanet 140957, MedGen C4304021, MONDO:0015372.
Bernard Soulier syndrome (BSS). Also called: BLEEDING DISORDER, PLATELET-TYPE, 1; GLYCOPROTEIN Ib, PLATELET, DEFICIENCY OF; PLATELET GLYCOPROTEIN Ib DEFICIENCY; VON WILLEBRAND FACTOR RECEPTOR DEFICIENCY; Giant platelet syndrome; Hemorrhagiparous thrombocytic dystrophy. Identifiers: Orphanet 274, MedGen C0005129, MeSH D001606, MONDO:0009276, OMIM 231200.

Submissions (4):

ClinGen Platelet Disorders Variant Curation Expert Panel, ClinGen
Classification: Pathogenic for Bernard Soulier syndrome. Last evaluated: 2026-01-20. Review status: reviewed by expert panel. Criteria: ClinGen Platelet ACMG Specifications GP1BB V1.0.0. Collection method: curation. Allele origin: germline. Inheritance: Autosomal recessive inheritance.
Comment: The c.423C>A (p.Cys141Ter) variant in GP1BB is a nonsense variant that may cause loss of function of the protein, however it is predicted to escape nonsense mediated decay and remove >10% of the protein (PVS1_Strong). At least one patient (Patient ID.1 in PMID: 33657022) with this variant had multiplate aggregation data showing virtually absent ristocetin agglutination in the proband and their affected sibling, which is disproportional to aggregation with other agonists. Platelet function studies in this manuscript were performed by multiplate aggregation and not light transmission aggregometry which is the gold standard. The very low platelet counts, characteristic of BSS, explain why aggregation with other agonists are decreased and not normal as specified in the rule specifications for PP4. This pattern of results unequivocally supports a diagnosis of Bernard-Soulier Syndrome. This variant has been detected in at least 2 probands with Bernard-Soulier syndrome (Patient ID.1 in PMID: 33657022, Patient 1 in PMID: 22343686). Both individuals were homozygous for the variant (1 PM3 point, PM3). The variant has been reported to segregate in the proband plus two additional homozygous BSS affected family members (PMID:33657022), 2 PP1 points, PP1_Moderate). The MAF allele frequency in gnomAD v4.1.0 is 0.00002178 (based on 1/45916 alleles) in the Remaining population, which is lower than the ClinGen PD VCEP threshold (<0.00006517; PM2_Supporting). In summary, this variant meets the criteria to be classified as Pathogenic for autosomal recessive Bernard-Soulier syndrome based on the ACMG/AMP criteria applied, as specified by the ClinGen PD VCEP: PVS1_Strong, PP1_Moderate, PP4, PM2_Supporting and PM3 (VCEP specifications version 1.1).

Victorian Clinical Genetics Services, Murdoch Childrens Research Institute
Classification: Pathogenic for Autosomal dominant macrothrombocytopenia. Last evaluated: 2026-01-05. Review status: criteria provided, single submitter. Criteria: ACMG Guidelines, 2015. Collection method: clinical testing. Allele origin: germline. Affected: yes. Not counted in ClinVar's aggregate classification.
Comment: This variant is classified as Pathogenic. Evidence in support of pathogenic classification: Variant is predicted to result in a truncated protein (premature termination codon is NOT located at least 54 nucleotides upstream of the final exon-exon junction) with less than 1/3 of the protein sequence affected; Variant is present in gnomAD <0.01 (v4: 1 heterozygote(s), 0 homozygote(s)) ; This variant has moderate previous evidence of pathogenicity in unrelated individuals. This variant has been identified in a homozygous state in an individual with thrombocytopenia and classified as likely pathogenic by a clinical laboratory (ClinVar). It has also been reported in a homozygous state in affected individuals in two families with Bernard-Soulier Syndrome (PMIDs: 33657022, 22343686). In addition, it has been reported in a heterozygous state in an individual with macrothrombocytopenia (PMID: 36173017); Other premature termination variants comparable to the one identified in this case have strong previous evidence for pathogenicity. The p.(Trp148*) and p.(Ala150Argfs*43) variants have been classified as pathogenic or likely pathogenic for autosomal recessive Bernard-Soulier syndrome by ClinGen Platelet Disorders Variant Curation Expert Panel (ClinVar). The p.(Ala150Argfs*43) variant has also been reported in families with autosomal dominant macrothrombocytopenia (PMID: 28064200). In addition, the p.(Arg179Profs*11) variant has been reported by a clinical laboratory as likely pathogenic in a heterozygous state in an individual with macrothrombocytopenia (ClinVar). Additional information: This variant is heterozygous; This gene is associated with both recessive and dominant disease. In addition to the well-established autosomal recessive inheritance pattern, this gene has also been associated with autosomal dominant isolated inherited macrothrombocytopenia (ClinGen); Variant is expected to affect the LRR C-terminal domain, and the transmembrane and cytoplasmic domains (PMIDs: 24934643, 28064200); Loss of function is a known mechanism of disease in this gene and is associated with autosomal recessive type B Bernard-Soulier syndrome and isolated giant platelet disorder (MIM#231200). Loss of function is a known disease mechanism for autosomal dominant macrothrombocytopenia (MONDO:0015372), GP1BB-related, however dominant negative has also been speculated (PMIDs: 36173017, 28064200); Inheritance information for this variant is not currently available in this individual.

Genomic Medicine Center of Excellence, King Faisal Specialist Hospital and Research Centre
Classification: Likely pathogenic for Bernard Soulier syndrome. Last evaluated: 2025-09-10. Review status: criteria provided, single submitter. Criteria: ACMG Guidelines, 2015. Collection method: clinical testing. Allele origin: germline. Not counted in ClinVar's aggregate classification.

3billion
Classification: Likely pathogenic for Bernard Soulier syndrome. Last evaluated: 2022-05-22. Review status: criteria provided, single submitter. Criteria: ACMG Guidelines, 2015. Collection method: clinical testing. Allele origin: germline. Affected: yes. Observed: 1 homozygote. Not counted in ClinVar's aggregate classification.
Comment: The variant is not observed in the gnomAD v2.1.1 dataset. Stop-gained (nonsense): predicted to result in a loss or disruption of normal protein function through protein truncation. Multiple pathogenic variants are reported in the predicted truncated region. The variant has been reported to be associated with GP1BB related disorder (PMID: 17109744). Therefore, this variant is classified as likely pathogenic according to the recommendation of ACMG/AMP guideline.

Literature cited by the submitters: PubMed 36173017 (cited by Victorian Clinical Genetics Services, Murdoch Childrens Research Institute); PubMed 24934643 (cited by Victorian Clinical Genetics Services, Murdoch Childrens Research Institute); PubMed 33657022 (cited by Victorian Clinical Genetics Services, Murdoch Childrens Research Institute); PubMed 28064200 (cited by Victorian Clinical Genetics Services, Murdoch Childrens Research Institute); PubMed 22343686 (cited by Victorian Clinical Genetics Services, Murdoch Childrens Research Institute); PubMed 17109744 (cited by 3billion).